The following is an entry in ClinVar:

NM_004782.4(SNAP29):c.*1563T>G

Gene: SNAP29 (synaptosome associated protein 29; plus strand). Cytogenetic location: 22q11.21.
Variant type: single nucleotide variant.
Coding change: c.*1563T>G on transcript NM_004782.4 (MANE Select); 1563 bases downstream of the stop codon, T replaced by G.
Molecular consequence: 3 prime UTR variant.
Genome position (GRCh38, 1-based): chr22:20,889,399, T>G. VCF-style: chr22-20889399-T-G. GRCh37 (hg19) VCF-style: chr22-21243687-T-G.
Identifiers: ClinVar variation 340866 (VCV000340866.6), dbSNP rs11577, ClinGen allele CA10645150.

ClinVar aggregate classification (germline): Benign. Review status: criteria provided, multiple submitters, no conflicts (2 of 4 stars). 2 submissions from 2 submitters: Benign (2). Last evaluated 2018-01-12.

Conditions:
CEDNIK syndrome. Also called: CEREBRAL DYSGENESIS, NEUROPATHY, ICHTHYOSIS, AND PALMOPLANTAR KERATODERMA SYNDROME; Cerebral dysgenesis, neuropathy, ichthyosis, and palmoplantar keratoderma. Identifiers: Orphanet 66631, MedGen C1836033, MONDO:0012290, OMIM 609528.

Allele frequency attached by ClinVar (database versions not stated): gnomAD 0.49490 and 0.49742; TOPMed 0.52126; 1000 Genomes Project 0.53554; 1000 Genomes Project 30x 0.54154.

Submissions (2):

Illumina Laboratory Services, Illumina
Classification: Benign for CEDNIK syndrome. Last evaluated: 2018-01-12. Review status: criteria provided, single submitter. Criteria: ICSL Variant Classification Criteria 13 December 2019. Collection method: clinical testing. Allele origin: germline.
Comment: This variant was observed in the ICSL laboratory as part of a predisposition screen in an ostensibly healthy population. It had not been previously curated by ICSL or reported in the Human Gene Mutation Database (HGMD: prior to June 1st, 2018), and was therefore a candidate for classification through an automated scoring system. Utilizing variant allele frequency, disease prevalence and penetrance estimates, and inheritance mode, an automated score was calculated to assess if this variant is too frequent to cause the disease. Based on the score and internal cut-off values, a variant classified as benign is not then subjected to further curation. The score for this variant resulted in a classification of benign for this disease.

Breakthrough Genomics
Classification: Benign. Review status: criteria provided, single submitter. Criteria: ACMG Guidelines, 2015. Collection method: not provided. Allele origin: germline. Inheritance: Autosomal recessive inheritance. Affected: yes.